The following is an entry in ClinVar:

ClinVar aggregate classification (germline): Uncertain significance. Review status: criteria provided, single submitter (1 of 4 stars). 2 submissions from 2 submitters: Uncertain significance (1). 1 of the submissions does not count toward it. Last evaluated 2022-06-24.

Conditions:
Primary ciliary dyskinesia. Also called: Ciliary dyskinesia. Identifiers: Orphanet 244, MedGen C0008780, MONDO:0016575, HP:0012265.

Allele frequency attached by ClinVar (database versions not stated): gnomAD exomes below 0.00001 and 0.00001.
gnomAD v4.1: 3 of 1,522,452 alleles (0.0002%); highest among the groups gnomAD compares: Middle Eastern, 0.017%; no homozygotes.

Submissions (2):

Labcorp Genetics (formerly Invitae), Labcorp
Classification: Uncertain significance for Primary ciliary dyskinesia. Last evaluated: 2022-06-24. Review status: criteria provided, single submitter. Criteria: Invitae Variant Classification Sherloc (09022015). Collection method: clinical testing. Allele origin: germline.
Comment: This sequence change replaces threonine, which is neutral and polar, with alanine, which is neutral and non-polar, at codon 389 of the DNAH5 protein (p.Thr389Ala). The frequency data for this variant in the population databases is considered unreliable, as metrics indicate poor data quality at this position in the gnomAD database. This variant has not been reported in the literature in individuals affected with DNAH5-related conditions. ClinVar contains an entry for this variant (Variation ID: 989925). Advanced modeling of protein sequence and biophysical properties (such as structural, functional, and spatial information, amino acid conservation, physicochemical variation, residue mobility, and thermodynamic stability) performed at Invitae indicates that this missense variant is not expected to disrupt DNAH5 protein function. In summary, the available evidence is currently insufficient to determine the role of this variant in disease. Therefore, it has been classified as a Variant of Uncertain Significance.

Natera, Inc.
Classification: Uncertain significance for Primary ciliary dyskinesia. Last evaluated: 2020-08-13. Review status: no assertion criteria provided. Collection method: clinical testing. Allele origin: germline. Not counted in ClinVar's aggregate classification.

NM_001369.3(DNAH5):c.1165A>G (p.Thr389Ala)

Gene: DNAH5 (dynein axonemal heavy chain 5; minus strand). Cytogenetic location: 5p15.2.
Variant type: single nucleotide variant.
Coding change: c.1165A>G on transcript NM_001369.3 (MANE Select); coding-DNA position 1165, A replaced by G.
Protein change: p.Thr389Ala; replaces threonine 389 with alanine.
Molecular consequence: missense variant.
Genome position (GRCh38, 1-based): chr5:13,916,380, T>C on the plus strand (A>G on the coding strand, the complement: DNAH5 is on the minus strand). VCF-style: chr5-13916380-T-C. GRCh37 (hg19) VCF-style: chr5-13916489-T-C.
Other names: short protein forms T389A.
Identifiers: ClinVar variation 989925 (VCV000989925.3), dbSNP rs1305527957, ClinGen allele CA359216477.